The following is an entry in ClinVar:

ClinVar aggregate classification (germline): Likely benign (1 of 4 stars; one submission).

Submission:

GeneDx
Classification: Likely benign. Last evaluated: 2017-03-01. Review status: criteria provided, single submitter. Criteria: GeneDx Variant Classification (06012015). Collection method: clinical testing. Allele origin: germline. Affected: yes.
Comment: This variant is considered likely benign or benign based on one or more of the following criteria: it is a conservative change, it occurs at a poorly conserved position in the protein, it is predicted to be benign by multiple in silico algorithms, and/or has population frequency not consistent with disease.

NM_005431.2(XRCC2):c.549T>C (p.Leu183=)

Gene: XRCC2 (X-ray repair cross complementing 2; minus strand). Cytogenetic location: 7q36.1.
Variant type: single nucleotide variant.
Coding change: c.549T>C on transcript NM_005431.2 (MANE Select); coding-DNA position 549, T replaced by C.
Protein change: p.Leu183=; no amino-acid change (leucine 183 retained).
Molecular consequence: synonymous variant.
Genome position (GRCh38, 1-based): chr7:152,648,936, A>G on the plus strand (T>C on the coding strand, the complement: XRCC2 is on the minus strand). VCF-style: chr7-152648936-A-G. GRCh37 (hg19) VCF-style: chr7-152346021-A-G.
Identifiers: ClinVar variation 507748 (VCV000507748.1), dbSNP rs1554410454, ClinGen allele CA458895453.